The following is an entry in ClinVar:

ClinVar aggregate classification (germline): Pathogenic (1 of 4 stars; one submission).

Conditions:
Intellectual developmental disorder, X-linked, syndromic 34. Also called: MENTAL RETARDATION, X-LINKED, SYNDROMIC, MIRCSOF-LANGOUET TYPE; Syndromic X-linked intellectual disability 34. Identifiers: Orphanet 466791, MedGen C4225417, MONDO:0010501, OMIM 300967.

Submission:

Prenatal Genetic Diagnosis Laboratory, The Chinese University of Hong Kong
Classification: Pathogenic for Intellectual developmental disorder, X-linked, syndromic 34. Last evaluated: 2025-07-20. Review status: criteria provided, single submitter. Criteria: ACMG/ClinGen CNV Guidelines, 2019. Collection method: clinical testing. Allele origin: de novo. Affected: yes.
Comment: This copy number loss contains the whole protein-coding gene NONO (1A). This variant exhibits a complete overlap with an established HI gene (2A). Hemizygous loss-of-function variants in the NONO gene have been described in more than 20 males with syndromic intellectual developmental disorder-34 (MRXS34; MIM #300967) [PMID: 26571461]. The phenotype is specific and relatively unique to the gene, including corpus callosum anomalies, non-compaction ventricular cardiomyopathy, septal defects and Ebstein’s anomaly [PMID:36292043] (4A). Additional single case reports of causative NONO loss-of-function variants have been reported in affected live-born males and affected male fetuses [PMID: 32238909, 33619735, 38469091, 38110236, 34549882, 37533431]. It is interpreted as pathogenic according to ACMG guidelines.

Literature cited by the submitters: PubMed 26571461; PubMed 36292043; PubMed 32238909; PubMed 33619735; PubMed 38469091; PubMed 38110236; PubMed 34549882; PubMed 37533431.

GRCh37/hg19 Xq13.1(chrX:70479500-70541202)x0

Genes: ITGB1BP2 (integrin subunit beta 1 binding protein 2; plus strand), NONO (non-POU domain containing octamer binding; plus strand). Cytogenetic location: Xq13.1.
Variant type: copy number loss.
Change: copy number 0 of chrX:70,479,500-70,541,202 (61.7 kb, GRCh37 coordinates, 1-based), cytogenetic band Xq13.1.
Identifiers: ClinVar variation 4072240 (VCV004072240.1).